The following is an entry in ClinVar:

ClinVar aggregate classification (germline): Conflicting classifications of pathogenicity. Review status: criteria provided, conflicting classifications (1 of 4 stars). 12 submissions from 12 submitters: Uncertain significance (10); Likely benign (1). 1 of the submissions does not count toward it. Last evaluated 2026-04-22.

Conditions:
Hereditary cancer-predisposing syndrome. Also called: Neoplastic Syndromes, Hereditary; Hereditary neoplastic syndrome; Tumor predisposition; Hereditary Cancer Syndrome. Identifiers: Orphanet 140162, MedGen C0027672, MeSH D009386, MONDO:0015356.
Hereditary nonpolyposis colorectal neoplasms. Identifiers: MedGen C0009405, MeSH D003123.
Lynch syndrome. Identifiers: Orphanet 144, MedGen C4552100, MONDO:0005835. Disease mechanism: loss of function.
Lynch syndrome 4 (LYNCH4). Also called: Colorectal cancer, hereditary nonpolyposis, type 4; Hereditary non-polyposis colorectal cancer, type 4. Identifiers: Orphanet 144, MedGen C1838333, MONDO:0013699, OMIM 614337. Disease mechanism: loss of function.

Allele frequency attached by ClinVar (database versions not stated): gnomAD exomes below 0.00001 and 0.00001; TOPMed below 0.00001; gnomAD 0.00001.
gnomAD v4.1: 9 of 1,610,736 alleles (0.00056%); highest among the groups gnomAD compares: Admixed American, 0.0017%; no homozygotes.

Submissions (12):

Dasa
Classification: Uncertain significance. Last evaluated: 2026-04-22. Review status: criteria provided, single submitter. Criteria: DASA Assertion Criteria. Collection method: clinical testing. Allele origin: germline.
Comment: NM_000535.7(PMS2):c.89A>G (p.Gln30Arg) is a missense variant that results in the substitution of glutamine with arginine. This variant is rare in population databases. Computational prediction algorithms are consistent with a deleterious effect. The currently available literature and clinical evidence are not sufficient to establish a definitive association between this variant and the reported condition. Therefore, this variant is classified as a variant of uncertain significance.

Praxis Für Humangenetik, Biosciencia MVZ Labor Saar
Classification: Uncertain significance for Hereditary cancer-predisposing syndrome. Last evaluated: 2026-03-19. Review status: criteria provided, single submitter. Criteria: ACMG Guidelines, 2015. Collection method: clinical testing. Allele origin: germline.
Comment: PM2, PP3

Labcorp Genetics (formerly Invitae), Labcorp
Classification: Uncertain significance for Hereditary nonpolyposis colorectal neoplasms. Last evaluated: 2025-05-23. Review status: criteria provided, single submitter. Criteria: Invitae Variant Classification Sherloc (09022015). Collection method: clinical testing. Allele origin: germline.
Comment: This sequence change replaces glutamine, which is neutral and polar, with arginine, which is basic and polar, at codon 30 of the PMS2 protein (p.Gln30Arg). This variant is present in population databases (rs56203955, gnomAD 0.003%). This variant has not been reported in the literature in individuals affected with PMS2-related conditions. ClinVar contains an entry for this variant (Variation ID: 185474). Invitae Evidence Modeling incorporating data from in vitro experimental studies (internal data) indicates that this missense variant is not expected to disrupt PMS2 function with a negative predictive value of 95%. In summary, the available evidence is currently insufficient to determine the role of this variant in disease. Therefore, it has been classified as a Variant of Uncertain Significance.

Baylor Genetics
Classification: Uncertain significance for Lynch syndrome 4. Last evaluated: 2023-11-29. Review status: criteria provided, single submitter. Criteria: ACMG Guidelines, 2015. Collection method: clinical testing. Allele origin: unknown.

All of Us Research Program, National Institutes of Health
Classification: Uncertain significance for Lynch syndrome. Last evaluated: 2023-11-20. Review status: criteria provided, single submitter. Criteria: ACMG Guidelines, 2015. Collection method: clinical testing. Allele origin: germline. Inheritance: Autosomal dominant inheritance. Observed: 1 variant allele, 1 heterozygote.
Comment: This missense variant replaces glutamine with arginine at codon 30 of the PMS2 protein. Computational prediction suggests that this variant may have deleterious impact on protein structure and function (internally defined REVEL score threshold >= 0.7, PMID: 27666373). Splice site prediction tools suggest that this variant may not impact RNA splicing. To our knowledge, functional studies have not been reported for this variant. This variant has not been reported in individuals affected with hereditary cancer in the literature. This variant has been identified in 1/245770 chromosomes in the general population by the Genome Aggregation Database (gnomAD). The available evidence is insufficient to determine the role of this variant in disease conclusively. Therefore, this variant is classified as a Variant of Uncertain Significance.

This study involves interpretation of variants in research participants for the purpose of population health screening. Participant phenotype was not available at the time of variant classification. Additional details can be found in publication PMID: 35346344, PMCID: PMC8962531

Color Diagnostics, LLC DBA Color Health
Classification: Uncertain significance for Hereditary cancer-predisposing syndrome. Last evaluated: 2023-10-26. Review status: criteria provided, single submitter. Criteria: ACMG Guidelines, 2015. Collection method: clinical testing. Allele origin: germline.
Comment: This missense variant replaces glutamine with arginine at codon 30 of the PMS2 protein. Computational prediction suggests that this variant may have deleterious impact on protein structure and function (internally defined REVEL score threshold >= 0.7, PMID: 27666373). To our knowledge, functional studies have not been reported for this variant. This variant has not been reported in individuals affected with PMS2-related disorders in the literature. This variant has been identified in 1/245770 chromosomes in the general population by the Genome Aggregation Database (gnomAD). The available evidence is insufficient to determine the role of this variant in disease conclusively. Therefore, this variant is classified as a Variant of Uncertain Significance.

Myriad Genetics, Inc.
Classification: Uncertain significance for Lynch syndrome 4. Last evaluated: 2023-04-04. Review status: criteria provided, single submitter. Criteria: Myriad Autosomal Dominant, Autosomal Recessive and X-Linked Classification Criteria (2023). Collection method: clinical testing. Allele origin: unknown.
Comment: This variant is classified as a variant of uncertain significance as there is insufficient evidence to determine its impact on protein function and/or cancer risk.

Quest Diagnostics Nichols Institute San Juan Capistrano
Classification: Uncertain significance. Last evaluated: 2022-07-27. Review status: criteria provided, single submitter. Criteria: Quest Diagnostics criteria. Collection method: clinical testing. Allele origin: unknown.
Comment: The frequency of this variant in the general population, 0.0000041 (1/245770 chromosomes), is uninformative in assessment of its pathogenicity. In a large-scale breast cancer association study, the variant was observed in 8 individuals with breast cancer as well as in 2 healthy controls (PMID: 33471991 (2021), see also LOVD). Analysis of this variant using bioinformatics tools for the prediction of the effect of amino acid changes on protein structure and function yielded predictions that this variant is damaging. Based on the available information, we are unable to determine the clinical significance of this variant.

Mendelics
Classification: Uncertain significance. Last evaluated: 2022-05-04. Review status: criteria provided, single submitter. Criteria: Mendelics Assertion Criteria 2019. Collection method: clinical testing. Allele origin: germline.

Ambry Genetics
Classification: Likely benign for Hereditary cancer-predisposing syndrome. Last evaluated: 2019-03-29. Review status: criteria provided, single submitter. Criteria: Ambry Variant Classification Scheme 2023. Collection method: clinical testing. Allele origin: germline.

GeneDx
Classification: Uncertain significance. Last evaluated: 2016-10-10. Review status: criteria provided, single submitter. Criteria: GeneDx Variant Classification (06012015). Collection method: clinical testing. Allele origin: germline. Affected: yes.
Comment: This variant is denoted PMS2 c.89A>G at the cDNA level, p.Gln30Arg (Q30R) at the protein level, and results in the change of a Glutamine to an Arginine (CAG>CGG). This variant has not, to our knowledge, been published in the literature as pathogenic or benign. PMS2 Gln30Arg was not observed in approximately 6,500 individuals of European and African American ancestry in the NHLBI Exome Sequencing Project, suggesting it is not a common benign variant in these populations. Since Glutamine and Arginine differ in some properties, this is considered a semi-conservative amino acid substitution. PMS2 Gln30Arg occurs at a position that is conserved across species and is located within the ATPase domain (Guarne 2001, Fukui 2011). In silico analyses predict that this variant is probably damaging to protein structure and function. Based on currently available evidence, it is unclear whether PMS2 Gln30Arg is a pathogenic or benign variant. We consider it to be a variant of uncertain significance.

Counsyl
Classification: Uncertain significance for Lynch syndrome 4. Last evaluated: 2016-10-26. Review status: no assertion criteria provided. Collection method: clinical testing. Allele origin: unknown. Not counted in ClinVar's aggregate classification.

Literature cited by the submitters: PubMed 33471991 (cited by Quest Diagnostics Nichols Institute San Juan Capistrano); PubMed 11574484 (cited by Ambry Genetics); PubMed 17976239 (cited by Ambry Genetics).

NM_000535.7(PMS2):c.89A>G (p.Gln30Arg)

Gene: PMS2 (PMS1 homolog 2, mismatch repair system component; minus strand). Cytogenetic location: 7p22.1.
Variant type: single nucleotide variant.
Coding change: c.89A>G on transcript NM_000535.7 (MANE Select); coding-DNA position 89, A replaced by G.
Protein change: p.Gln30Arg; replaces glutamine 30 with arginine.
Molecular consequence: missense variant. On other transcripts: 5 prime UTR variant (8), non-coding transcript variant (1), intron variant (3).
Genome position (GRCh38, 1-based): chr7:6,005,966, T>C on the plus strand (A>G on the coding strand, the complement: PMS2 is on the minus strand). VCF-style: chr7-6005966-T-C. GRCh37 (hg19) VCF-style: chr7-6045597-T-C.
Other names: c.-317A>G (NM_001322003.2, NM_001322005.2, NM_001322009.2 and 1 more transcripts); c.89A>G, p.Gln30Arg (NM_001322006.2, NM_001322014.2); c.-127A>G (NM_001322007.2); c.-796A>G (NM_001322011.2, NM_001322012.2); c.-396A>G (NM_001322015.2); c.-52-1908A>G (NM_001322008.2); c.-242-1908A>G (NM_001322010.2, NM_001322004.2); short protein forms Q30R.
Identifiers: ClinVar variation 185474 (VCV000185474.32), dbSNP rs56203955, ClinGen allele CA013191.